The following is an entry in ClinVar:

ClinVar aggregate classification (germline): Uncertain significance. Review status: criteria provided, multiple submitters, no conflicts (2 of 4 stars). 3 submissions from 3 submitters: Uncertain significance (3). Last evaluated 2024-10-21.

Conditions:
Inborn genetic diseases. Identifiers: MedGen C0950123, MeSH D030342.

Allele frequency attached by ClinVar (database versions not stated): ExAC 0.00002; gnomAD exomes 0.00002; TOPMed 0.00003.
gnomAD v4.1: 13 of 1,606,478 alleles (0.00081%); highest among the groups gnomAD compares: Middle Eastern, 0.017%; no homozygotes.

Submissions (3):

Ambry Genetics
Classification: Uncertain significance for Inborn genetic diseases. Last evaluated: 2024-10-21. Review status: criteria provided, single submitter. Criteria: Ambry Variant Classification Scheme 2023. Collection method: clinical testing. Allele origin: germline.

Mayo Clinic Laboratories, Mayo Clinic
Classification: Uncertain significance. Last evaluated: 2023-02-24. Review status: criteria provided, single submitter. Criteria: ACMG Guidelines, 2015. Collection method: clinical testing. Allele origin: germline. Observed: 1 variant allele.
Comment: PM2

Labcorp Genetics (formerly Invitae), Labcorp
Classification: Uncertain significance. Last evaluated: 2022-04-14. Review status: criteria provided, single submitter. Criteria: Invitae Variant Classification Sherloc (09022015). Collection method: clinical testing. Allele origin: germline.
Comment: This sequence change replaces arginine, which is basic and polar, with glutamine, which is neutral and polar, at codon 2299 of the SZT2 protein (p.Arg2299Gln). This variant is present in population databases (rs749570750, gnomAD 0.01%). This variant has not been reported in the literature in individuals affected with SZT2-related conditions. ClinVar contains an entry for this variant (Variation ID: 1040254). Algorithms developed to predict the effect of missense changes on protein structure and function (SIFT, PolyPhen-2, Align-GVGD) all suggest that this variant is likely to be tolerated. In summary, the available evidence is currently insufficient to determine the role of this variant in disease. Therefore, it has been classified as a Variant of Uncertain Significance.

NM_001365999.1(SZT2):c.7067G>A (p.Arg2356Gln)

Gene: SZT2 (SZT2 subunit of KICSTOR complex; plus strand). Cytogenetic location: 1p34.2.
Variant type: single nucleotide variant.
Coding change: c.7067G>A on transcript NM_001365999.1 (MANE Select); coding-DNA position 7067, G replaced by A.
Protein change: p.Arg2356Gln; replaces arginine 2356 with glutamine.
Molecular consequence: missense variant.
Genome position (GRCh38, 1-based): chr1:43,439,905, G>A. VCF-style: chr1-43439905-G-A. GRCh37 (hg19) VCF-style: chr1-43905576-G-A.
Other names: p.Arg2299Gln; c.6896G>A, p.Arg2299Gln (NM_015284.4); c.6896G>A (NM_015284.3); short protein forms R2299Q, R2356Q.
Identifiers: ClinVar variation 1040254 (VCV001040254.7), dbSNP rs749570750, ClinGen allele CA810106.